The following is an entry in ClinVar:

ClinVar aggregate classification (germline): Uncertain significance. Review status: criteria provided, multiple submitters, no conflicts (2 of 4 stars). 2 submissions from 2 submitters: Uncertain significance (2). Last evaluated 2023-03-03.

Conditions:
Neuropathy, hereditary sensory and autonomic, type 2A (HSAN2A). Also called: MORVAN DISEASE; NEUROPATHY, CONGENITAL SENSORY; NEUROPATHY, HEREDITARY SENSORY RADICULAR, AUTOSOMAL RECESSIVE; NEUROPATHY, HEREDITARY SENSORY, TYPE IIA; NEUROPATHY, PROGRESSIVE SENSORY, OF CHILDREN; WNK1-Related HSAN2 (HSAN2A). Identifiers: Orphanet 970, MedGen C2752089, MONDO:0024309, OMIM 201300.
Pseudohypoaldosteronism type 2C (PHA2C). Also called: Pseudohypoaldosteronism Type IIC. Identifiers: Orphanet 757, Orphanet 88940, MedGen C1840391, MONDO:0013778, OMIM 614492.

Allele frequency attached by ClinVar (database versions not stated): gnomAD exomes below 0.00001.
gnomAD v4.1: 1 of 1,614,122 alleles (0.000062%); highest among the groups gnomAD compares: Non-Finnish European, 0.000085%; no homozygotes.

Submissions (2):

Labcorp Genetics (formerly Invitae), Labcorp
Classification: Uncertain significance for Neuropathy, hereditary sensory and autonomic, type 2A; Pseudohypoaldosteronism type 2C. Last evaluated: 2023-03-03. Review status: criteria provided, single submitter. Criteria: Invitae Variant Classification Sherloc (09022015). Collection method: clinical testing. Allele origin: germline.
Comment: In summary, the available evidence is currently insufficient to determine the role of this variant in disease. Therefore, it has been classified as a Variant of Uncertain Significance. Advanced modeling of protein sequence and biophysical properties (such as structural, functional, and spatial information, amino acid conservation, physicochemical variation, residue mobility, and thermodynamic stability) performed at Invitae indicates that this missense variant is not expected to disrupt WNK1 protein function. ClinVar contains an entry for this variant (Variation ID: 1041674). This variant has not been reported in the literature in individuals affected with WNK1-related conditions. This variant is not present in population databases (gnomAD no frequency). This sequence change replaces proline, which is neutral and non-polar, with histidine, which is basic and polar, at codon 2231 of the WNK1 protein (p.Pro2231His).

Fulgent Genetics
Classification: Uncertain significance for Neuropathy, hereditary sensory and autonomic, type 2A; Pseudohypoaldosteronism type 2C. Last evaluated: 2022-02-24. Review status: criteria provided, single submitter. Criteria: ACMG Guidelines, 2015. Collection method: clinical testing. Allele origin: unknown.

NM_018979.4(WNK1):c.5936C>A (p.Pro1979His)

Gene: WNK1 (WNK lysine deficient protein kinase 1; plus strand). Cytogenetic location: 12p13.33.
Variant type: single nucleotide variant.
Coding change: c.5936C>A on transcript NM_018979.4 (MANE Select); coding-DNA position 5936, C replaced by A.
Protein change: p.Pro1979His; replaces proline 1979 with histidine.
Molecular consequence: missense variant.
Genome position (GRCh38, 1-based): chr12:896,423, C>A. VCF-style: chr12-896423-C-A. GRCh37 (hg19) VCF-style: chr12-1005589-C-A.
Other names: c.6716C>A, p.Pro2239His (NM_001184985.2); c.5192C>A, p.Pro1731His (NM_014823.3); c.6692C>A, p.Pro2231His (NM_213655.5); short protein forms P2231H, P2239H, P1731H, P1979H.
Identifiers: ClinVar variation 1041674 (VCV001041674.10), dbSNP rs1954736870, ClinGen allele CA383335832.